The following is an entry in ClinVar:

ClinVar aggregate classification (germline): Likely benign. Review status: criteria provided, multiple submitters, no conflicts (2 of 4 stars). 2 submissions from 2 submitters: Likely benign (2). Last evaluated 2024-12-31.

Conditions:
Charcot-Marie-Tooth disease axonal type 2V. Also called: CHARCOT-MARIE-TOOTH NEUROPATHY, TYPE 2V; CHARCOT-MARIE-TOOTH DISEASE, AXONAL, AUTOSOMAL DOMINANT, TYPE 2V. Identifiers: Orphanet 447964, MedGen C5569050, MONDO:0014665, OMIM 616491.
Mucopolysaccharidosis, MPS-III-B (MPS3B). Also called: N-ACETYL-ALPHA-D-GLUCOSAMINIDASE DEFICIENCY; NAGLU DEFICIENCY; SANFILIPPO SYNDROME B; Mucopolysaccharidosis type IIIB (Sanfilippo B); MPS IIIB (Sanfilippo Syndrome Type B); MUCOPOLYSACCHARIDOSIS, TYPE IIIB. Identifiers: Orphanet 79270, MedGen C0086648, MONDO:0009656, OMIM 252920.

Allele frequency attached by ClinVar (database versions not stated): gnomAD exomes below 0.00001; gnomAD 0.00009; TOPMed 0.00009.

Submissions (2):

Labcorp Genetics (formerly Invitae), Labcorp
Classification: Likely benign for Charcot-Marie-Tooth disease axonal type 2V; Mucopolysaccharidosis, MPS-III-B. Last evaluated: 2024-12-31. Review status: criteria provided, single submitter. Criteria: Invitae Variant Classification Sherloc (09022015). Collection method: clinical testing. Allele origin: germline.

CeGaT Center for Human Genetics Tuebingen
Classification: Likely benign. Last evaluated: 2022-05-01. Review status: criteria provided, single submitter. Criteria: CeGaT Center For Human Genetics Tuebingen Variant Classification Criteria Version 2. Collection method: clinical testing. Allele origin: germline. Affected: yes. Observed: 1 variant allele.
Comment: NAGLU: BP4, BP7

NM_000263.4(NAGLU):c.258C>T (p.Ala86=)

Genes: NAGLU (N-acetyl-alpha-glucosaminidase; plus strand), LOC130060903 (ATAC-STARR-seq lymphoblastoid silent region 8533; plus strand). Cytogenetic location: 17q21.2.
Variant type: single nucleotide variant.
Coding change: c.258C>T on transcript NM_000263.4 (MANE Select); coding-DNA position 258, C replaced by T.
Protein change: p.Ala86=; no amino-acid change (alanine 86 retained).
Molecular consequence: synonymous variant.
Genome position (GRCh38, 1-based): chr17:42,536,530, C>T. VCF-style: chr17-42536530-C-T. GRCh37 (hg19) VCF-style: chr17-40688548-C-T.
Identifiers: ClinVar variation 2177052 (VCV002177052.28), dbSNP rs1381587394, ClinGen allele CA399595827.